The following is an entry in ClinVar:

NM_001374828.1(ARID1B):c.5223A>C (p.Pro1741=)

Gene: ARID1B (AT-rich interaction domain 1B; plus strand). Cytogenetic location: 6q25.3.
Variant type: single nucleotide variant.
Coding change: c.5223A>C on transcript NM_001374828.1 (MANE Select); coding-DNA position 5223, A replaced by C.
Protein change: p.Pro1741=; no amino-acid change (proline 1741 retained).
Molecular consequence: synonymous variant.
Genome position (GRCh38, 1-based): chr6:157,201,448, A>C. VCF-style: chr6-157201448-A-C. GRCh37 (hg19) VCF-style: chr6-157522582-A-C.
Other names: c.2724A>C, p.Pro908= (NM_001363725.2); c.5103A>C, p.Pro1701= (NM_001371656.1, NM_001374820.1); c.5064A>C, p.Pro1688= (NM_017519.3).
Identifiers: ClinVar variation 3898576 (VCV003898576.7).

ClinVar aggregate classification (germline): Likely benign (1 of 4 stars; one submission).

gnomAD v4.1: 1 of 1,524,064 alleles (0.000066%); highest among the groups gnomAD compares: Middle Eastern, 0.018%; no homozygotes.

Submission:

CeGaT Center for Human Genetics Tuebingen
Classification: Likely benign. Last evaluated: 2025-04-01. Review status: criteria provided, single submitter. Criteria: CeGaT Center For Human Genetics Tuebingen Variant Classification Criteria Version 2. Collection method: clinical testing. Allele origin: germline. Affected: yes. Observed: 1 variant allele.
Comment: ARID1B: BP4, BP7